The following is an entry in ClinVar:

ClinVar aggregate classification (germline): Benign/Likely benign. Review status: criteria provided, single submitter (1 of 4 stars). 3 submissions from 1 submitter: Benign (2); Likely benign (1). Last evaluated 2018-01-13.

Conditions:
Myhre syndrome (MYHRS). Also called: LARYNGOTRACHEAL STENOSIS, ARTHROPATHY, PROGNATHISM, AND SHORT STATURE; LAPS SYNDROME. Identifiers: Orphanet 2588, MedGen C0796081, MONDO:0007688, OMIM 139210.
Generalized juvenile polyposis/juvenile polyposis coli. Also called: Juvenile polyposis coli. Identifiers: Orphanet 329971, MedGen C1868081, MONDO:0008276.
Juvenile polyposis/hereditary hemorrhagic telangiectasia syndrome (JPHT). Also called: JP/HHT SYNDROME; JUVENILE POLYPOSIS WITH HEREDITARY HEMORRHAGIC TELANGIECTASIA; POLYPOSIS, GENERALIZED JUVENILE, WITH PULMONARY ARTERIOVENOUS MALFORMATION; TELANGIECTASIA, HEREDITARY HEMORRHAGIC, WITH JUVENILE POLYPOSIS COLI; Juvenile Polyposis Syndrome / Hereditary Hemorrhagic Telangiectasia (JPS/HHT). Identifiers: Orphanet 2929, MedGen C1832942, MONDO:0008278, OMIM 175050.

Allele frequency attached by ClinVar (database versions not stated): gnomAD exomes 0.00021; gnomAD 0.00153 and 0.00169; 1000 Genomes Project 30x 0.00156; 1000 Genomes Project 0.00160; TOPMed 0.00168.
gnomAD v4.1: 239 of 199,000 alleles (0.12%); highest among the groups gnomAD compares: African/African-American, 0.55%; 1 homozygote.

Submissions (3):

Illumina Laboratory Services, Illumina
Classification: Benign for Myhre syndrome. Last evaluated: 2018-01-13. Review status: criteria provided, single submitter. Criteria: ICSL Variant Classification Criteria 13 December 2019. Collection method: clinical testing. Allele origin: germline.
Comment: This variant was observed in the ICSL laboratory as part of a predisposition screen in an ostensibly healthy population. It had not been previously curated by ICSL or reported in the Human Gene Mutation Database (HGMD: prior to June 1st, 2018), and was therefore a candidate for classification through an automated scoring system. Utilizing variant allele frequency, disease prevalence and penetrance estimates, and inheritance mode, an automated score was calculated to assess if this variant is too frequent to cause the disease. Based on the score and internal cut-off values, a variant classified as benign is not then subjected to further curation. The score for this variant resulted in a classification of benign for this disease.

Illumina Laboratory Services, Illumina
Classification: Likely benign for Juvenile polyposis/hereditary hemorrhagic telangiectasia syndrome. Last evaluated: 2018-01-13. Review status: criteria provided, single submitter. Criteria: ICSL Variant Classification Criteria 13 December 2019. Collection method: clinical testing. Allele origin: germline.
Comment: This variant was observed in the ICSL laboratory as part of a predisposition screen in an ostensibly healthy population. It had not been previously curated by ICSL or reported in the Human Gene Mutation Database (HGMD: prior to June 1st, 2018), and was therefore a candidate for classification through an automated scoring system. Utilizing variant allele frequency, disease prevalence and penetrance estimates, and inheritance mode, an automated score was calculated to assess if this variant is too frequent to cause the disease. Based on the score and internal cut-off values, a variant classified as likely benign is not then subjected to further curation. The score for this variant resulted in a classification of likely benign for this disease.

Illumina Laboratory Services, Illumina
Classification: Benign for Juvenile polyposis syndrome. Last evaluated: 2018-01-13. Review status: criteria provided, single submitter. Criteria: ICSL Variant Classification Criteria 13 December 2019. Collection method: clinical testing. Allele origin: germline.
Comment: the same text as in the submission from Illumina Laboratory Services, Illumina above.

NM_005359.6(SMAD4):c.*2488T>A

Gene: SMAD4 (SMAD family member 4; plus strand). Cytogenetic location: 18q21.2.
Variant type: single nucleotide variant.
Coding change: c.*2488T>A on transcript NM_005359.6 (MANE Select); 2488 bases downstream of the stop codon, T replaced by A.
Molecular consequence: 3 prime UTR variant.
Genome position (GRCh38, 1-based): chr18:51,080,955, T>A. VCF-style: chr18-51080955-T-A. GRCh37 (hg19) VCF-style: chr18-48607325-T-A.
Identifiers: ClinVar variation 327141 (VCV000327141.5), dbSNP rs148190627, ClinGen allele CA10641668.